The following is an entry in ClinVar:

ClinVar aggregate classification (germline): Uncertain significance. Review status: criteria provided, multiple submitters, no conflicts (2 of 4 stars). 4 submissions from 4 submitters: Uncertain significance (4). Last evaluated 2025-12-10.

Conditions:
Inborn genetic diseases. Identifiers: MedGen C0950123, MeSH D030342.
Myoglobinuria, acute recurrent, autosomal recessive. Also called: Myoglobinuria, recurrent, autosomal recessive; MYOGLOBINURIA, FAMILIAL PAROXYSMAL PARALYTIC; RHABDOMYOLYSIS, ACUTE RECURRENT. Identifiers: Orphanet 99845, MedGen C1849386, MONDO:0009992, OMIM 268200.

Allele frequency attached by ClinVar (database versions not stated): ExAC 0.00001; gnomAD 0.00002; gnomAD exomes 0.00002; TOPMed 0.00002; ESP Exome Variant Server 0.00008.
gnomAD v4.1: 28 of 1,613,418 alleles (0.0017%); highest among the groups gnomAD compares: Non-Finnish European, 0.0024%; no homozygotes.

Submissions (4):

Mayo Clinic Laboratories, Mayo Clinic
Classification: Uncertain significance. Last evaluated: 2025-12-10. Review status: criteria provided, single submitter. Criteria: ACMG Guidelines, 2015. Collection method: clinical testing. Allele origin: germline. Observed: 1 variant allele.
Comment: PP3_moderate, PM2_supporting

Fulgent Genetics
Classification: Uncertain significance for Myoglobinuria, acute recurrent, autosomal recessive. Last evaluated: 2024-03-30. Review status: criteria provided, single submitter. Criteria: ACMG Guidelines, 2015. Collection method: clinical testing. Allele origin: germline.

Ambry Genetics
Classification: Uncertain significance for Inborn genetic diseases. Last evaluated: 2024-01-30. Review status: criteria provided, single submitter. Criteria: Ambry Variant Classification Scheme 2023. Collection method: clinical testing. Allele origin: germline.

Labcorp Genetics (formerly Invitae), Labcorp
Classification: Uncertain significance. Last evaluated: 2022-04-03. Review status: criteria provided, single submitter. Criteria: Invitae Variant Classification Sherloc (09022015). Collection method: clinical testing. Allele origin: germline.
Comment: This sequence change replaces proline, which is neutral and non-polar, with leucine, which is neutral and non-polar, at codon 694 of the LPIN1 protein (p.Pro694Leu). This variant is present in population databases (rs142153186, gnomAD 0.002%). This variant has not been reported in the literature in individuals affected with LPIN1-related conditions. Algorithms developed to predict the effect of missense changes on protein structure and function (SIFT, PolyPhen-2, Align-GVGD) all suggest that this variant is likely to be disruptive. In summary, the available evidence is currently insufficient to determine the role of this variant in disease. Therefore, it has been classified as a Variant of Uncertain Significance.

NM_001349206.2(LPIN1):c.2189C>T (p.Pro730Leu)

Gene: LPIN1 (lipin 1; plus strand). Cytogenetic location: 2p25.1.
Variant type: single nucleotide variant.
Coding change: c.2189C>T on transcript NM_001349206.2 (MANE Select); coding-DNA position 2189, C replaced by T.
Protein change: p.Pro730Leu; replaces proline 730 with leucine.
Molecular consequence: missense variant. On other transcripts: non-coding transcript variant (1).
Genome position (GRCh38, 1-based): chr2:11,805,096, C>T. VCF-style: chr2-11805096-C-T. GRCh37 (hg19) VCF-style: chr2-11945222-C-T.
Other names: p.Pro694Leu; c.2081C>T (NM_145693.1); c.2099C>T, p.Pro700Leu (NM_001261427.3); c.2336C>T, p.Pro779Leu (NM_001261428.3); c.2081C>T, p.Pro694Leu (NM_001349199.2, NM_145693.4); c.2159C>T, p.Pro720Leu (NM_001349200.2, NM_001349201.2); c.2186C>T, p.Pro729Leu (NM_001349202.2, NM_001349203.2); c.2189C>T, p.Pro730Leu (NM_001349204.2, NM_001349205.2); and 2 more; short protein forms P700L, P729L, P760L, P694L, P730L, P779L, P720L, P743L.
Identifiers: ClinVar variation 1980166 (VCV001980166.4), dbSNP rs142153186, ClinGen allele CA1534022.